The following is an entry in ClinVar:

ClinVar aggregate classification (germline): Uncertain significance (1 of 4 stars; one submission).

Conditions:
TTN-related disorder. Also called: TTN-related disorders; TTN-related condition; TTN-related disease.

Allele frequency attached by ClinVar (database versions not stated): TOPMed 0.00001.

Submission:

PreventionGenetics, part of Exact Sciences
Classification: Uncertain significance for TTN-related condition. Last evaluated: 2025-06-16. Review status: criteria provided, single submitter. Criteria: ACMG Guidelines, 2015. Collection method: clinical testing. Allele origin: germline.
Comment: The TTN c.47770T>A variant is predicted to result in the amino acid substitution p.Leu15924Met. To our knowledge, this variant has not been reported in the literature or in a large population database, indicating this variant is rare. At this time, the clinical significance of this variant is uncertain due to the absence of conclusive functional and genetic evidence.

NM_001267550.2(TTN):c.47770T>A (p.Leu15924Met)

Genes: TTN (titin; minus strand), TTN-AS1 (TTN antisense RNA 1; plus strand). Cytogenetic location: 2q31.2.
Variant type: single nucleotide variant.
Coding change: c.47770T>A on transcript NM_001267550.2 (MANE Select); coding-DNA position 47770, T replaced by A.
Protein change: p.Leu15924Met; replaces leucine 15924 with methionine.
Molecular consequence: missense variant.
Genome position (GRCh38, 1-based): chr2:178,617,225, A>T on the plus strand (T>A on the coding strand, the complement: TTN is on the minus strand). VCF-style: chr2-178617225-A-T. GRCh37 (hg19) VCF-style: chr2-179481952-A-T.
Other names: c.42847T>A, p.Leu14283Met (NM_001256850.1); c.20575T>A, p.Leu6859Met (NM_003319.4); c.40066T>A, p.Leu13356Met (NM_133378.4); c.20950T>A, p.Leu6984Met (NM_133432.3); c.21151T>A, p.Leu7051Met (NM_133437.4); short protein forms L13356M, L14283M, L15924M, L6859M, L6984M, L7051M.
Identifiers: ClinVar variation 2633637 (VCV002633637.2), dbSNP rs2057502829, ClinGen allele CA349613414.
Genomic context (GRCh38, chr2:178,617,225, plus strand): 5'-CTGAAACACCAGCTTTATTTTCTGCAGATACTCTATATAAATATTTATTTCCTTTTTCCA[A>T]TCCGGTAACCTACGATTATGAATTAATATTTGTAAAAAACACATACAGTTATGTCCATGA-3'
Protein context (NP_001254479.2, residues 15914-15934): VPELTYKVTG[Leu15924Met]EKGNKYLYRV